The following is an entry in ClinVar:

ClinVar aggregate classification (germline): Pathogenic (1 of 4 stars; one submission).

Conditions:
Duchenne muscular dystrophy (DMD). Also called: Duchenne Muscular Dystrophy (DMD); MUSCULAR DYSTROPHY, PSEUDOHYPERTROPHIC PROGRESSIVE, DUCHENNE TYPE. Identifiers: Orphanet 98896, MedGen C0013264, MONDO:0010679, OMIM 310200.

Submission:

Labcorp Genetics (formerly Invitae), Labcorp
Classification: Pathogenic for Duchenne muscular dystrophy. Last evaluated: 2024-06-28. Review status: criteria provided, single submitter. Criteria: Invitae Variant Classification Sherloc (09022015). Collection method: clinical testing. Allele origin: germline.
Comment: This sequence change affects an acceptor splice site in intron 3 of the DMD gene. It is expected to disrupt RNA splicing. Variants that disrupt the donor or acceptor splice site typically lead to a loss of protein function (PMID: 16199547), and loss-of-function variants in DMD are known to be pathogenic (PMID: 16770791, 25007885). This variant is not present in population databases (gnomAD no frequency). Disruption of this splice site has been observed in individuals with Becker muscular dystrophy (PMID: 17041906, 19409785, 21520333; Invitae). ClinVar contains an entry for this variant (Variation ID: 852346). Algorithms developed to predict the effect of sequence changes on RNA splicing suggest that this variant may disrupt the consensus splice site. For these reasons, this variant has been classified as Pathogenic.

Literature cited by the submitters: PubMed 16199547; PubMed 16770791; PubMed 25007885; PubMed 17041906; PubMed 19409785; PubMed 21520333.

NM_004006.3(DMD):c.187-2A>G

Gene: DMD (dystrophin; minus strand). Cytogenetic location: Xp21.1.
Variant type: single nucleotide variant.
Coding change: c.187-2A>G on transcript NM_004006.3 (MANE Select); the canonical splice acceptor site of the intron before coding-DNA position 187, A replaced by G.
Molecular consequence: splice acceptor variant.
Genome position (GRCh38, 1-based): chrX:32,844,862, T>C on the plus strand (A>G on the coding strand, the complement: DMD is on the minus strand). VCF-style: chrX-32844862-T-C. GRCh37 (hg19) VCF-style: chrX-32862979-T-C.
Other names: c.163-2A>G (NM_000109.4); c.175-2A>G (NM_004009.3); c.-183-2A>G (NM_004010.3).
Identifiers: ClinVar variation 852346 (VCV000852346.10), dbSNP rs2080514041, ClinGen allele CA412674803.